The following is an entry in ClinVar:

NM_000138.5(FBN1):c.3217G>T (p.Glu1073Ter)

Gene: FBN1 (fibrillin 1; minus strand). Cytogenetic location: 15q21.1.
Variant type: single nucleotide variant.
Coding change: c.3217G>T on transcript NM_000138.5 (MANE Select); coding-DNA position 3217, G replaced by T.
Protein change: p.Glu1073Ter; replaces glutamic acid 1073 with a stop codon.
Molecular consequence: nonsense.
Genome position (GRCh38, 1-based): chr15:48,488,233, C>A on the plus strand (G>T on the coding strand, the complement: FBN1 is on the minus strand). VCF-style: chr15-48488233-C-A. GRCh37 (hg19) VCF-style: chr15-48780430-C-A.
Other names: short protein forms E1073*.
Identifiers: ClinVar variation 803093 (VCV000803093.3), dbSNP rs137854478, ClinGen allele CA392327733.

ClinVar aggregate classification (germline): Pathogenic. Review status: criteria provided, multiple submitters, no conflicts (2 of 4 stars). 3 submissions from 3 submitters: Pathogenic (3). Last evaluated 2019-07-02.

Conditions:
Familial thoracic aortic aneurysm and aortic dissection (TAAD). Also called: Thoracic aortic aneurysms and dissections. Identifiers: Orphanet 91387, MedGen C4707243, MONDO:0019625.
Marfan syndrome (MFS). Also called: FBN1-Related Marfan Syndrome; Marfan's syndrome; MARFAN SYNDROME, TYPE I; Marfan syndrome type 1; Marfan syndrome, classic. Identifiers: Orphanet 284963, Orphanet 558, MedGen C0024796, MONDO:0007947, OMIM 154700.

Submissions (3):

Labcorp Genetics (formerly Invitae), Labcorp
Classification: Pathogenic for Marfan syndrome; Familial thoracic aortic aneurysm and aortic dissection. Last evaluated: 2019-07-02. Review status: criteria provided, single submitter. Criteria: Invitae Variant Classification Sherloc (09022015). Collection method: clinical testing. Allele origin: germline.
Comment: This sequence change creates a premature translational stop signal (p.Glu1073*) in the FBN1 gene. It is expected to result in an absent or disrupted protein product. This variant is not present in population databases (ExAC no frequency). This variant has not been reported in the literature in individuals with FBN1-related conditions. Loss-of-function variants in FBN1 are known to be pathogenic (PMID: 17657824, 19293843). For these reasons, this variant has been classified as Pathogenic.

Mendelics
Classification: Pathogenic for Marfan syndrome. Last evaluated: 2019-05-28. Review status: criteria provided, single submitter. Criteria: Mendelics Assertion Criteria 2017. Collection method: clinical testing. Allele origin: unknown.

Clinical Genetics and Genomics, Karolinska University Hospital
Classification: Pathogenic. Last evaluated: 2014-07-15. Review status: criteria provided, single submitter. Criteria: ACMG Guidelines, 2015. Collection method: clinical testing. Allele origin: germline. Affected: yes. Observed: 1 variant allele.